The following is an entry in ClinVar:

ClinVar aggregate classification (germline): Uncertain significance. Review status: criteria provided, multiple submitters, no conflicts (2 of 4 stars). 2 submissions from 2 submitters: Uncertain significance (2). Last evaluated 2025-10-12.

Conditions:
Hereditary cancer-predisposing syndrome. Also called: Neoplastic Syndromes, Hereditary; Tumor predisposition; Hereditary Cancer Syndrome; Hereditary neoplastic syndrome. Identifiers: Orphanet 140162, MedGen C0027672, MeSH D009386, MONDO:0015356.
Familial adenomatous polyposis 1 (FAP1). Also called: FAMILIAL ADENOMATOUS POLYPOSIS 1, ATTENUATED; POLYPOSIS, ADENOMATOUS INTESTINAL. Identifiers: MedGen C2713442, MONDO:0021056, OMIM 175100. Disease mechanism: loss of function.

Allele frequency attached by ClinVar (database versions not stated): gnomAD exomes 0.00001.
gnomAD v4.1: 12 of 1,614,014 alleles (0.00074%); highest among the groups gnomAD compares: Non-Finnish European, 0.00093%; no homozygotes.

Submissions (2):

Labcorp Genetics (formerly Invitae), Labcorp
Classification: Uncertain significance for Familial adenomatous polyposis 1. Last evaluated: 2025-10-12. Review status: criteria provided, single submitter. Criteria: Invitae Variant Classification Sherloc (09022015). Collection method: clinical testing. Allele origin: germline.
Comment: This sequence change replaces isoleucine, which is neutral and non-polar, with arginine, which is basic and polar, at codon 1055 of the APC protein (p.Ile1055Arg). This variant is not present in population databases (gnomAD no frequency). This variant has not been reported in the literature in individuals affected with APC-related conditions. ClinVar contains an entry for this variant (Variation ID: 485162). Invitae Evidence Modeling of protein sequence and biophysical properties (such as structural, functional, and spatial information, amino acid conservation, physicochemical variation, residue mobility, and thermodynamic stability) indicates that this missense variant is not expected to disrupt APC protein function with a negative predictive value of 95%. In summary, the available evidence is currently insufficient to determine the role of this variant in disease. Therefore, it has been classified as a Variant of Uncertain Significance.

Ambry Genetics
Classification: Uncertain significance for Hereditary cancer-predisposing syndrome. Last evaluated: 2025-05-31. Review status: criteria provided, single submitter. Criteria: Ambry Variant Classification Scheme 2023. Collection method: clinical testing. Allele origin: germline.
Comment: The p.I1055R variant (also known as c.3164T>G), located in coding exon 15 of the APC gene, results from a T to G substitution at nucleotide position 3164. The isoleucine at codon 1055 is replaced by arginine, an amino acid with similar properties. This amino acid position is not well conserved in available vertebrate species. In addition, in silico predictors for this gene do not accurately predict pathogenicity. Since supporting evidence is limited at this time, the clinical significance of this alteration remains unclear.

NM_000038.6(APC):c.3164T>G (p.Ile1055Arg)

Gene: APC (APC regulator of Wnt signaling pathway; plus strand). Cytogenetic location: 5q22.2.
Variant type: single nucleotide variant.
Coding change: c.3164T>G on transcript NM_000038.6 (MANE Select); coding-DNA position 3164, T replaced by G.
Protein change: p.Ile1055Arg; replaces isoleucine 1055 with arginine.
Molecular consequence: missense variant.
Genome position (GRCh38, 1-based): chr5:112,838,758, T>G. VCF-style: chr5-112838758-T-G. GRCh37 (hg19) VCF-style: chr5-112174455-T-G.
Other names: c.3164T>G, p.Ile1055Arg (NM_001127510.3, NM_001354895.2); c.3110T>G, p.Ile1037Arg (NM_001127511.3); c.3218T>G, p.Ile1073Arg (NM_001354896.2); c.3194T>G, p.Ile1065Arg (NM_001354897.2); c.3089T>G, p.Ile1030Arg (NM_001354898.2); c.3080T>G, p.Ile1027Arg (NM_001354899.2); c.3041T>G, p.Ile1014Arg (NM_001354900.2); c.2987T>G, p.Ile996Arg (NM_001354901.2); and 5 more; short protein forms I1037R, I1055R, I1027R, I964R, I1065R, I954R, I996R, I1030R.
Identifiers: ClinVar variation 485162 (VCV000485162.14), dbSNP rs1554084780, ClinGen allele CA16028269.